The following is an entry in ClinVar:

ClinVar aggregate classification (germline): Uncertain significance (1 of 4 stars; one submission).

Conditions:
CREBBP-related disorder. Also called: CREBBP-related condition; CREBBP-related disorders.

Submission:

PreventionGenetics, part of Exact Sciences
Classification: Uncertain significance for CREBBP-related condition. Last evaluated: 2025-04-11. Review status: criteria provided, single submitter. Criteria: ACMG Guidelines, 2015. Collection method: clinical testing. Allele origin: germline.
Comment: The CREBBP c.5188A>C variant is predicted to result in the amino acid substitution p.Ile1730Leu. To our knowledge, this variant has not been reported in the literature or in a large population database (gnomAD), indicating this variant is rare. At this time, the clinical significance of this variant is uncertain due to the absence of conclusive functional and genetic evidence.

NM_004380.3(CREBBP):c.5188A>C (p.Ile1730Leu)

Gene: CREBBP (CREB binding lysine acetyltransferase; minus strand). Cytogenetic location: 16p13.3.
Variant type: single nucleotide variant.
Coding change: c.5188A>C on transcript NM_004380.3 (MANE Select); coding-DNA position 5188, A replaced by C.
Protein change: p.Ile1730Leu; replaces isoleucine 1730 with leucine.
Molecular consequence: missense variant.
Genome position (GRCh38, 1-based): chr16:3,729,859, T>G on the plus strand (A>C on the coding strand, the complement: CREBBP is on the minus strand). VCF-style: chr16-3729859-T-G. GRCh37 (hg19) VCF-style: chr16-3779860-T-G.
Other names: c.5074A>C, p.Ile1692Leu (NM_001079846.1); short protein forms I1730L, I1692L.
Identifiers: ClinVar variation 4997876 (VCV004997876.1).
Genomic context (GRCh38, chr16:3,729,859, plus strand): 5'-CCAGGCCCAGCCCCCACTTCACCATCTTATGGGCATGGCTCTTCGTGTTATAGCAGTTGA[T>G]GCAGAGGTCGTAGTCCTGCAAGCAAGGAAAGGGGACAGGCCGGTGTCAGCATGGGACCCA-3'
Protein context (NP_004371.2, residues 1720-1740): CTVCEDYDLC[Ile1730Leu]NCYNTKSHAH